The following is an entry in ClinVar:

NM_001318895.3(FHL2):c.29G>A (p.Cys10Tyr)

Gene: FHL2 (four and a half LIM domains 2; minus strand). Cytogenetic location: 2q12.2.
Variant type: single nucleotide variant.
Coding change: c.29G>A on transcript NM_001318895.3 (MANE Select); coding-DNA position 29, G replaced by A.
Protein change: p.Cys10Tyr; replaces cysteine 10 with tyrosine.
Molecular consequence: missense variant. On other transcripts: 5 prime UTR variant (3).
Genome position (GRCh38, 1-based): chr2:105,386,488, C>T on the plus strand (G>A on the coding strand, the complement: FHL2 is on the minus strand). VCF-style: chr2-105386488-C-T. GRCh37 (hg19) VCF-style: chr2-106002945-C-T.
Other names: c.29G>A, p.Cys10Tyr (NM_001039492.3, NM_001318894.1, NM_001318896.2 and 4 more transcripts); c.-139G>A (NM_001318897.2, NM_001318898.2); c.-418G>A (NM_001318899.2); short protein forms C10Y.
Identifiers: ClinVar variation 1063209 (VCV001063209.5), dbSNP rs1682328689, ClinGen allele CA348100698.

ClinVar aggregate classification (germline): Uncertain significance (1 of 4 stars; one submission).

Conditions:
Primary dilated cardiomyopathy (DCM). Also called: Dilated Cardiomyopathy. Identifiers: Orphanet 217604, MedGen C0007193, MeSH D002311, MONDO:0005021, HP:0001644. Inheritance: Various modes of inheritance.

Allele frequency attached by ClinVar (database versions not stated): TOPMed 0.00001.

Submission:

Labcorp Genetics (formerly Invitae), Labcorp
Classification: Uncertain significance for Primary dilated cardiomyopathy. Last evaluated: 2025-12-08. Review status: criteria provided, single submitter. Criteria: Invitae Variant Classification Sherloc (09022015). Collection method: clinical testing. Allele origin: germline.
Comment: This sequence change replaces cysteine, which is neutral and slightly polar, with tyrosine, which is neutral and polar, at codon 10 of the FHL2 protein (p.Cys10Tyr). This variant is not present in population databases (gnomAD no frequency). This variant has not been reported in the literature in individuals affected with FHL2-related conditions. ClinVar contains an entry for this variant (Variation ID: 1063209). An algorithm developed to predict the effect of missense changes on protein structure and function (PolyPhen-2) suggests that this variant is likely to be disruptive. In summary, the available evidence is currently insufficient to determine the role of this variant in disease. Therefore, it has been classified as a Variant of Uncertain Significance.